The following is an entry in ClinVar:

ClinVar aggregate classification (germline): Likely benign (0 of 4 stars; one submission).

Conditions:
CREBBP-related disorder. Also called: CREBBP-related condition; CREBBP-related disorders.

Submission:

PreventionGenetics, part of Exact Sciences
Classification: Likely benign for CREBBP-related condition. Last evaluated: 2024-05-31. Review status: no assertion criteria provided. Collection method: clinical testing. Allele origin: germline.
Comment: This variant is classified as likely benign based on ACMG/AMP sequence variant interpretation guidelines (Richards et al. 2015 PMID: 25741868, with internal and published modifications).

NM_004380.3(CREBBP):c.5406G>C (p.Val1802=)

Gene: CREBBP (CREB binding lysine acetyltransferase; minus strand). Cytogenetic location: 16p13.3.
Variant type: single nucleotide variant.
Coding change: c.5406G>C on transcript NM_004380.3 (MANE Select); coding-DNA position 5406, G replaced by C.
Protein change: p.Val1802=; no amino-acid change (valine 1802 retained).
Molecular consequence: synonymous variant.
Genome position (GRCh38, 1-based): chr16:3,729,641, C>G on the plus strand (G>C on the coding strand, the complement: CREBBP is on the minus strand). VCF-style: chr16-3729641-C-G. GRCh37 (hg19) VCF-style: chr16-3779642-C-G.
Other names: c.5292G>C, p.Val1764= (NM_001079846.1).
Identifiers: ClinVar variation 3357328 (VCV003357328.1).
Genomic context (GRCh38, chr16:3,729,641, plus strand): 5'-GAGCTGCTTGCACACCGGGCAGCCCCCGTTGGTCTTGCGTTTGCAGCCCTTGGTGTGCTG[C>G]ACCACCCGCTTCATCTTCTGGCAGGATGGCAGCGAGCAGTTGGCGTTGCGGCACTGGCAC-3'
Protein context (NP_004371.2, residues 1792-1812): LPSCQKMKRV[Val1802=]QHTKGCKRKT